The following is an entry in ClinVar:

NM_005144.5(HR):c.1055C>T (p.Ala352Val)

Gene: HR (HR lysine demethylase and nuclear receptor corepressor; minus strand). Cytogenetic location: 8p21.3.
Variant type: single nucleotide variant.
Coding change: c.1055C>T on transcript NM_005144.5 (MANE Select); coding-DNA position 1055, C replaced by T.
Protein change: p.Ala352Val; replaces alanine 352 with valine.
Molecular consequence: missense variant.
Genome position (GRCh38, 1-based): chr8:22,127,387, G>A on the plus strand (C>T on the coding strand, the complement: HR is on the minus strand). VCF-style: chr8-22127387-G-A. GRCh37 (hg19) VCF-style: chr8-21984900-G-A.
Other names: c.1055C>T, p.Ala352Val (NM_018411.4); short protein forms A352V.
Identifiers: ClinVar variation 362524 (VCV000362524.10), dbSNP rs115396678, ClinGen allele CA4662577.
Genomic context (GRCh38, chr8:22,127,387, plus strand): 5'-GGACAGGCCCTGGGGCCAGAGGCCTTGTTCACTTCCTCGCTGGGTTCGCTGGCTCCACTG[G>A]CACCCCCCTCCAGGCCCTCCTGGCACTTCCCACAAGGGCCAAGACCCCCACCTTTAGTGG-3'
Protein context (NP_005135.2, residues 342-362): GKCQEGLEGG[Ala352Val]SGASEPSEEV

ClinVar aggregate classification (germline): Benign. Review status: criteria provided, multiple submitters, no conflicts (2 of 4 stars). 4 submissions from 3 submitters: Benign (4). Last evaluated 2026-01-25.

Conditions:
Atrichia with papular lesions (APL). Also called: PAPULAR ATRICHIA. Identifiers: Orphanet 86819, MedGen C1859592, MONDO:0008847, OMIM 209500.
Alopecia universalis congenita (ALUNC). Also called: ATRICHIA, GENERALIZED. Identifiers: Orphanet 701, MedGen C1859877, MONDO:0008757, OMIM 203655.

Allele frequency attached by ClinVar (database versions not stated): gnomAD exomes 0.00122 and 0.00347; ExAC 0.00405; ESP Exome Variant Server 0.01330; gnomAD 0.01332 and 0.01418; TOPMed 0.01490; 1000 Genomes Project 0.01697; 1000 Genomes Project 30x 0.01733.
gnomAD v4.1: 3,906 of 1,613,270 alleles (0.24%); highest among the groups gnomAD compares: African/African-American, 4.6%; 83 homozygotes.

Submissions (4):

Labcorp Genetics (formerly Invitae), Labcorp
Classification: Benign. Last evaluated: 2026-01-25. Review status: criteria provided, single submitter. Criteria: Invitae Variant Classification Sherloc (09022015). Collection method: clinical testing. Allele origin: germline.

Illumina Laboratory Services, Illumina
Classification: Benign for Alopecia universalis congenita. Last evaluated: 2018-01-12. Review status: criteria provided, single submitter. Criteria: ICSL Variant Classification Criteria 13 December 2019. Collection method: clinical testing. Allele origin: germline.
Comment: This variant was observed in the ICSL laboratory as part of a predisposition screen in an ostensibly healthy population. It had not been previously curated by ICSL or reported in the Human Gene Mutation Database (HGMD: prior to June 1st, 2018), and was therefore a candidate for classification through an automated scoring system. Utilizing variant allele frequency, disease prevalence and penetrance estimates, and inheritance mode, an automated score was calculated to assess if this variant is too frequent to cause the disease. Based on the score and internal cut-off values, a variant classified as benign is not then subjected to further curation. The score for this variant resulted in a classification of benign for this disease.

Illumina Laboratory Services, Illumina
Classification: Benign for Atrichia with papular lesions. Last evaluated: 2018-01-12. Review status: criteria provided, single submitter. Criteria: ICSL Variant Classification Criteria 13 December 2019. Collection method: clinical testing. Allele origin: germline.
Comment: the same text as in the submission from Illumina Laboratory Services, Illumina above.

Breakthrough Genomics
Classification: Benign. Review status: criteria provided, single submitter. Criteria: ACMG Guidelines, 2015. Collection method: not provided. Allele origin: germline. Inheritance: Autosomal recessive inheritance. Affected: yes.